The following is an entry in ClinVar:

ClinVar aggregate classification (germline): Uncertain significance (1 of 4 stars; one submission).

Conditions:
Polycystic kidney disease, adult type (PKD1). Also called: POLYCYSTIC KIDNEY DISEASE 1 WITH OR WITHOUT POLYCYSTIC LIVER DISEASE; Polycystic Kidney Disease 1, Autosomal Dominant; Polycystic kidney disease 1; Polycystic kidney disease 1, severe; Polycystic Kidney, Autosomal Dominant; POLYCYSTIC KIDNEY DISEASE, ADULT, TYPE I. Identifiers: MedGen C3149841, MONDO:0008263, OMIM 173900.

Submission:

Neuberg Centre For Genomic Medicine, NCGM
Classification: Uncertain significance for Polycystic kidney disease, adult type. Review status: criteria provided, single submitter. Criteria: ACMG Guidelines, 2015. Collection method: clinical testing. Allele origin: germline. Inheritance: Autosomal dominant inheritance. Affected: yes.
Comment: The missense variant in c.1558G>A (p.Asp520Asn) in PKD1 gene has not been reported previously as a pathogenic variant nor as a benign variant, to our knowledge. The p.Asp520Asn variant is reported with the allele frequency of 0.001514% in gnomAD Exome and is novel (not in any individuals) in 1000 Genomes. The amino acid Asp at position 520 is changed to a Asn changing protein sequence and it might alter its composition and physico-chemical properties. The amino acid change p.Asp520Asn in PKD1 is predicted as conserved by GERP++ and PhyloP across 100 vertebrates. For these reasons, this variant has been classified as Uncertain Significance.

NM_001009944.3(PKD1):c.1558G>A (p.Asp520Asn)

Gene: PKD1 (polycystin 1, transient receptor potential channel interacting; minus strand). Cytogenetic location: 16p13.3.
Variant type: single nucleotide variant.
Coding change: c.1558G>A on transcript NM_001009944.3 (MANE Select); coding-DNA position 1558, G replaced by A.
Protein change: p.Asp520Asn; replaces aspartic acid 520 with asparagine.
Molecular consequence: missense variant.
Genome position (GRCh38, 1-based): chr16:2,116,881, C>T on the plus strand (G>A on the coding strand, the complement: PKD1 is on the minus strand). VCF-style: chr16-2116881-C-T. GRCh37 (hg19) VCF-style: chr16-2166882-C-T.
Other names: c.1558G>A, p.Asp520Asn (NM_000296.4); short protein forms D520N.
Identifiers: ClinVar variation 2584789 (VCV002584789.1), dbSNP rs1418847867, ClinGen allele CA394391756.